The following is an entry in ClinVar:

NC_000013.10:g.(?_23667335)_(23985398_?)dup

Genes: LINC00362 (long intergenic non-protein coding RNA 362; minus strand), SACS (sacsin molecular chaperone; minus strand), SGCG (sarcoglycan gamma; plus strand), LOC130009364 (ATAC-STARR-seq lymphoblastoid active region 7451; plus strand), LOC130009365 (ATAC-STARR-seq lymphoblastoid silent region 5171; plus strand) and 7 more. Cytogenetic location: 13q12.12.
Variant type: Duplication.
Identifiers: ClinVar variation 461620 (VCV000461620.1).

ClinVar aggregate classification (germline): Uncertain significance (1 of 4 stars; one submission).

Conditions:
Spastic paraplegia. Identifiers: MedGen C0037772, HP:0001258.

Submission:

Labcorp Genetics (formerly Invitae), Labcorp
Classification: Uncertain significance for Spastic paraplegia. Last evaluated: 2018-05-10. Review status: criteria provided, single submitter. Criteria: Invitae Variant Classification Sherloc (09022015). Collection method: clinical testing. Allele origin: germline.
Comment: This variant results in a copy number gain of the genomic region encompassing the full coding sequence of the SACS gene. The boundaries of this event are unknown as they extend beyond the assayed region for this gene and therefore may encompass additional genes. As the precise location of this event is unknown, it may be in tandem or it may be located elsewhere in the genome. A copy number gain of only the SACS gene has not been reported in the literature in individuals with SACS-related disease. Experimental studies are not available for this variant, and the functional significance of the additional copy of this gene is currently unknown. In summary, the available evidence is currently insufficient to determine the role of this variant in disease. Therefore, it has been classified as a Variant of Uncertain Significance.